The following is an entry in ClinVar:

ClinVar aggregate classification (germline): Likely pathogenic (1 of 4 stars; one submission).

Conditions:
Peroxisome biogenesis disorder 4A (Zellweger) (PBD4A). Also called: Zellweger syndrome spectrum (PEX6-related). Identifiers: Orphanet 912, MedGen C3553936, MONDO:0013930, OMIM 614862. Disease mechanism: loss of function.

Submission:

Myriad Genetics, Inc.
Classification: Likely pathogenic for Peroxisome biogenesis disorder 4A (Zellweger). Last evaluated: 2022-03-14. Review status: criteria provided, single submitter. Criteria: Myriad Women's Health Autosomal Recessive and X-Linked Classification Criteria (2021). Collection method: clinical testing. Allele origin: unknown.
Comment: NM_000287.3(PEX6):c.2563delG(D855Tfs*29) is expected to be pathogenic in the context of peroxisome biogenesis disorder type 4. This variant is predicted to lead to an abnormal or absent protein product due to the creation of a premature termination codon in PEX6, a gene where loss-of-function variants are known to be pathogenic. Please note: this variant was assessed in the context of healthy population screening.

NM_000287.4(PEX6):c.2563del (p.Asp855fs)

Gene: PEX6 (peroxisomal biogenesis factor 6; minus strand). Cytogenetic location: 6p21.1.
Variant type: Deletion.
Coding change: c.2563del on transcript NM_000287.4 (MANE Select); coding-DNA position 2563, one base deleted (G; older notation c.2563delG).
Protein change: p.Asp855fs; shifts the reading frame from aspartic acid 855.
Molecular consequence: frameshift variant. On other transcripts: non-coding transcript variant (1).
Genome position (GRCh38, 1-based): chr6:42,965,277, C deleted on the plus strand (G on the coding strand, the reverse complement: PEX6 is on the minus strand); the first of 2 consecutive C bases (chr6:42,965,277-42,965,278); deleting either gives the same sequence. VCF-style (leftmost placement, unchanged base first): chr6-42965276-TC-T. GRCh37 (hg19) VCF-style: chr6-42933014-TC-T.
Other names: c.2299del, p.Asp767fs (NM_001316313.2); short protein forms D767fs, D855fs.
Identifiers: ClinVar variation 1725230 (VCV001725230.2), dbSNP rs2481199848, ClinGen allele CA2580074583.